The following is an entry in ClinVar:

ClinVar aggregate classification (germline): Likely benign. Review status: criteria provided, multiple submitters, no conflicts (2 of 4 stars). 2 submissions from 2 submitters: Likely benign (2). Last evaluated 2026-01-19.

Conditions:
Carnitine palmitoyltransferase II deficiency. Also called: Carnitine Palmitoyltransferase 2 Deficiency. Identifiers: Orphanet 157, MedGen C0342790, MONDO:0015515.

Allele frequency attached by ClinVar (database versions not stated): gnomAD exomes 0.00002 and 0.00016; gnomAD 0.00009; TOPMed 0.00011; ExAC 0.00016; 1000 Genomes Project 30x 0.00031; 1000 Genomes Project 0.00040.

Submissions (2):

Labcorp Genetics (formerly Invitae), Labcorp
Classification: Likely benign for Carnitine palmitoyltransferase II deficiency. Last evaluated: 2026-01-19. Review status: criteria provided, single submitter. Criteria: Invitae Variant Classification Sherloc (09022015). Collection method: clinical testing. Allele origin: germline.

Women's Health and Genetics/Laboratory Corporation of America, LabCorp
Classification: Likely benign. Last evaluated: 2024-07-12. Review status: criteria provided, single submitter. Criteria: LabCorp Variant Classification Summary - May 2015. Collection method: clinical testing. Allele origin: germline.
Comment: Variant summary: CPT2 c.1738G>A (p.Gly580Arg) results in a non-conservative amino acid change located in the Choline/carnitine acyltransferase domain (IPR039551) of the encoded protein sequence. Four of five in-silico tools predict a benign effect of the variant on protein function. The variant allele was found at a frequency of 0.00016 in 251476 control chromosomes, predominantly at a frequency of 0.0021 within the East Asian subpopulation in the gnomAD database. The observed variant frequency within East Asian control individuals in the gnomAD database is approximately 1.3 fold of the estimated maximal expected allele frequency for a pathogenic variant in CPT2 causing Carnitine Palmitoyltransferase II Deficiency phenotype (0.0016). To our knowledge, no occurrence of c.1738G>A in individuals affected with Carnitine Palmitoyltransferase II Deficiency and no experimental evidence demonstrating its impact on protein function have been reported. ClinVar contains an entry for this variant (Variation ID: 1079233). Based on the evidence outlined above, the variant was classified as likely benign.

NM_000098.3(CPT2):c.1738G>A (p.Gly580Arg)

Gene: CPT2 (carnitine palmitoyltransferase 2; plus strand). Cytogenetic location: 1p32.3.
Variant type: single nucleotide variant.
Coding change: c.1738G>A on transcript NM_000098.3 (MANE Select); coding-DNA position 1738, G replaced by A.
Protein change: p.Gly580Arg; replaces glycine 580 with arginine.
Molecular consequence: missense variant.
Genome position (GRCh38, 1-based): chr1:53,213,356, G>A. VCF-style: chr1-53213356-G-A. GRCh37 (hg19) VCF-style: chr1-53679028-G-A.
Other names: c.1669G>A, p.Gly557Arg (NM_001330589.2); short protein forms G557R, G580R.
Identifiers: ClinVar variation 1079233 (VCV001079233.10), dbSNP rs569609298, ClinGen allele CA859265.
Genomic context (GRCh38, chr1:53,213,356, plus strand): 5'-CGGCATCTGGCAGCAGCCAAAGGGATCATCTTGCCTGAGCTCTACCTGGACCCTGCATAC[G>A]GGCAGATAAACCACAATGTCCTGTCCACGAGCACACTGAGCAGCCCAGCAGTGAACCTTG-3'
Protein context (NP_000089.1, residues 570-590): LPELYLDPAY[Gly580Arg]QINHNVLSTS